The following is an entry in ClinVar:

ClinVar aggregate classification (germline): Likely benign. Review status: criteria provided, multiple submitters, no conflicts (2 of 4 stars). 2 submissions from 2 submitters: Likely benign (2). Last evaluated 2024-01-11.

Conditions:
Hereditary diffuse gastric adenocarcinoma (HDGC). Also called: DIFFUSE GASTRIC AND LOBULAR BREAST CANCER SYNDROME. Identifiers: Orphanet 26106, MedGen C1708349, MONDO:0007648, OMIM 137215.

Submissions (2):

Labcorp Genetics (formerly Invitae), Labcorp
Classification: Likely benign for Hereditary diffuse gastric adenocarcinoma. Last evaluated: 2024-01-11. Review status: criteria provided, single submitter. Criteria: Invitae Variant Classification Sherloc (09022015). Collection method: clinical testing. Allele origin: germline.

GeneDx
Classification: Likely benign. Last evaluated: 2016-03-14. Review status: criteria provided, single submitter. Criteria: GeneDx Variant Classification (06012015). Collection method: clinical testing. Allele origin: germline. Affected: yes.
Comment: This variant is considered likely benign or benign based on one or more of the following criteria: it is a conservative change, it occurs at a poorly conserved position in the protein, it is predicted to be benign by multiple in silico algorithms, and/or has population frequency not consistent with disease.

NM_004360.5(CDH1):c.49-15T>A

Gene: CDH1 (cadherin 1; plus strand). Cytogenetic location: 16q22.1.
Variant type: single nucleotide variant.
Coding change: c.49-15T>A on transcript NM_004360.5 (MANE Select); 15 bases into the intron before coding-DNA position 49, T replaced by A.
Molecular consequence: intron variant.
Genome position (GRCh38, 1-based): chr16:68,738,282, T>A. VCF-style: chr16-68738282-T-A. GRCh37 (hg19) VCF-style: chr16-68772185-T-A.
Other names: c.49-15T>A (LRG_301t1, NM_001317184.2); c.-1567-15T>A (NM_001317185.2); c.-1771-15T>A (NM_001317186.2).
Identifiers: ClinVar variation 384788 (VCV000384788.4), dbSNP rs780547331, ClinGen allele CA16608220.